The following is an entry in ClinVar:

ClinVar aggregate classification (germline): Uncertain significance (1 of 4 stars; one submission).

gnomAD v4.1: 1 of 1,614,236 alleles (0.000062%); highest among the groups gnomAD compares: Admixed American, 0.0017%; no homozygotes.

Submission:

Women's Health and Genetics/Laboratory Corporation of America, LabCorp
Classification: Uncertain significance. Last evaluated: 2025-02-21. Review status: criteria provided, single submitter. Criteria: LabCorp Variant Classification Summary - May 2015. Collection method: clinical testing. Allele origin: germline.
Comment: Variant summary: TMEM70 c.563T>C (p.Leu188Pro) results in a non-conservative amino acid change in the encoded protein sequence. Five of five in-silico tools predict a damaging effect of the variant on protein function. The variant was absent in 251432 control chromosomes. c.563T>C has been reported in the literature in at least one homozygous individual affected with Complex V Deficiency, Nuclear Type 2 (e.g., Mackay_2023). These data indicate that the variant may be associated with disease. To our knowledge, no experimental evidence demonstrating an impact on protein function has been reported. The following publication has been ascertained in the context of this evaluation (PMID: 36751706). No submitters have cited clinical-significance assessments for this variant to ClinVar. Based on the evidence outlined above, the variant was classified as VUS-possibly pathogenic.

Literature cited by the submitters: PubMed 36751706.

NM_017866.6(TMEM70):c.563T>C (p.Leu188Pro)

Gene: TMEM70 (transmembrane protein 70; plus strand). Cytogenetic location: 8q21.11.
Variant type: single nucleotide variant.
Coding change: c.563T>C on transcript NM_017866.6 (MANE Select); coding-DNA position 563, T replaced by C.
Protein change: p.Leu188Pro; replaces leucine 188 with proline.
Molecular consequence: missense variant. On other transcripts: 3 prime UTR variant (1), non-coding transcript variant (1).
Genome position (GRCh38, 1-based): chr8:73,981,401, T>C. VCF-style: chr8-73981401-T-C. GRCh37 (hg19) VCF-style: chr8-74893636-T-C.
Other names: c.*253T>C (NM_001040613.3); short protein forms L188P.
Identifiers: ClinVar variation 3768880 (VCV003768880.1).